The following is an entry in ClinVar:

NM_052874.5(STX1B):c.430T>C (p.Cys144Arg)

Gene: STX1B (syntaxin 1B; minus strand). Cytogenetic location: 16p11.2.
Variant type: single nucleotide variant.
Coding change: c.430T>C on transcript NM_052874.5 (MANE Select); coding-DNA position 430, T replaced by C.
Protein change: p.Cys144Arg; replaces cysteine 144 with arginine.
Molecular consequence: missense variant.
Genome position (GRCh38, 1-based): chr16:30,996,984, A>G on the plus strand (T>C on the coding strand, the complement: STX1B is on the minus strand). VCF-style: chr16-30996984-A-G. GRCh37 (hg19) VCF-style: chr16-31008305-A-G.
Other names: short protein forms C144R.
Identifiers: ClinVar variation 1481736 (VCV001481736.6), dbSNP rs2143669286, ClinGen allele CA395648993.

ClinVar aggregate classification (germline): Pathogenic (1 of 4 stars; one submission).

Conditions:
Generalized epilepsy with febrile seizures plus, type 9 (GEFSP9). Also called: GEFS+, TYPE 9. Identifiers: Orphanet 36387, MedGen C4015395, MONDO:0014517, OMIM 616172.

Submission:

Labcorp Genetics (formerly Invitae), Labcorp
Classification: Pathogenic for Generalized epilepsy with febrile seizures plus, type 9. Last evaluated: 2024-03-14. Review status: criteria provided, single submitter. Criteria: Invitae Variant Classification Sherloc (09022015). Collection method: clinical testing. Allele origin: germline.
Comment: This sequence change replaces cysteine, which is neutral and slightly polar, with arginine, which is basic and polar, at codon 144 of the STX1B protein (p.Cys144Arg). This variant is not present in population databases (gnomAD no frequency). This missense change has been observed in individual(s) with STX1B-related conditions (Invitae). In at least one individual the variant was observed to be de novo. ClinVar contains an entry for this variant (Variation ID: 1481736). Advanced modeling of protein sequence and biophysical properties (such as structural, functional, and spatial information, amino acid conservation, physicochemical variation, residue mobility, and thermodynamic stability) performed at Invitae indicates that this missense variant is expected to disrupt STX1B protein function with a positive predictive value of 80%. For these reasons, this variant has been classified as Pathogenic.